The following is an entry in ClinVar:

ClinVar aggregate classification (germline): Benign/Likely benign. Review status: criteria provided, multiple submitters, no conflicts (2 of 4 stars). 5 submissions from 5 submitters: Benign (2); Likely benign (3). Last evaluated 2026-02-01.

Conditions:
Fetal akinesia deformation sequence 1 (FADS1). Also called: Pena-Shokeir syndrome type I; Fetal akinesia sequence. Identifiers: Orphanet 994, MedGen C1276035, MONDO:0100101, OMIM 208150, HP:0001989.
Congenital myasthenic syndrome 10. Also called: Myasthenia, limb-girdle, familial. Identifiers: Orphanet 590, MedGen C1850792, MONDO:0009690, OMIM 254300.

Allele frequency attached by ClinVar (database versions not stated): gnomAD 0.00048 and 0.00019; TOPMed 0.00036; ExAC 0.00398; 1000 Genomes Project 0.00180; 1000 Genomes Project 30x 0.00156.
gnomAD v4.1: 950 of 1,576,118 alleles (0.06%); highest among the groups gnomAD compares: South Asian, 0.8%; 11 homozygotes.

Submissions (5):

Labcorp Genetics (formerly Invitae), Labcorp
Classification: Benign for Congenital myasthenic syndrome 10; Fetal akinesia deformation sequence 1. Last evaluated: 2026-02-01. Review status: criteria provided, single submitter. Criteria: Invitae Variant Classification Sherloc (09022015). Collection method: clinical testing. Allele origin: germline.

Mayo Clinic Laboratories, Mayo Clinic
Classification: Benign. Last evaluated: 2025-09-22. Review status: criteria provided, single submitter. Criteria: ACMG Guidelines, 2015. Collection method: clinical testing. Allele origin: germline. Observed: 1 variant allele.
Comment: BS1, BS2, BP4_moderate

GeneDx
Classification: Likely benign. Last evaluated: 2020-05-26. Review status: criteria provided, single submitter. Criteria: GeneDx Variant Classification Process June 2021. Collection method: clinical testing. Allele origin: germline. Affected: yes.

Breakthrough Genomics
Classification: Likely benign. Review status: criteria provided, single submitter. Criteria: ACMG Guidelines, 2015. Collection method: not provided. Allele origin: germline. Inheritance: Autosomal recessive inheritance. Affected: yes.

PreventionGenetics, part of Exact Sciences
Classification: Likely benign. Review status: criteria provided, single submitter. Criteria: ACMG Guidelines, 2015. Collection method: clinical testing. Allele origin: germline.

NM_173660.5(DOK7):c.1091G>A (p.Arg364Gln)

Gene: DOK7 (docking protein 7; plus strand). Cytogenetic location: 4p16.3.
Variant type: single nucleotide variant.
Coding change: c.1091G>A on transcript NM_173660.5 (MANE Select); coding-DNA position 1091, G replaced by A.
Protein change: p.Arg364Gln; replaces arginine 364 with glutamine.
Molecular consequence: missense variant. On other transcripts: 3 prime UTR variant (1).
Genome position (GRCh38, 1-based): chr4:3,493,077, G>A. VCF-style: chr4-3493077-G-A. GRCh37 (hg19) VCF-style: chr4-3494804-G-A.
Other names: p.Arg364Gln; c.*312G>A (NM_001164673.2); c.161G>A, p.Arg54Gln (NM_001256896.2); c.1091G>A, p.Arg364Gln (NM_001301071.2); c.659G>A, p.Arg220Gln (NM_001363811.2); short protein forms R364Q, R220Q, R54Q.
Identifiers: ClinVar variation 262866 (VCV000262866.20), dbSNP rs201304841, ClinGen allele CA2829357.